The following is an entry in ClinVar:

NM_015559.3(SETBP1):c.2831G>A (p.Ser944Asn)

Gene: SETBP1 (SET binding protein 1; plus strand). Cytogenetic location: 18q12.3.
Variant type: single nucleotide variant.
Coding change: c.2831G>A on transcript NM_015559.3 (MANE Select); coding-DNA position 2831, G replaced by A.
Protein change: p.Ser944Asn; replaces serine 944 with asparagine.
Molecular consequence: missense variant.
Genome position (GRCh38, 1-based): chr18:44,952,171, G>A. VCF-style: chr18-44952171-G-A. GRCh37 (hg19) VCF-style: chr18-42532136-G-A.
Other names: c.2831G>A, p.Ser944Asn (NM_001379141.1, NM_001379142.1); short protein forms S944N.
Identifiers: ClinVar variation 1463182 (VCV001463182.8), dbSNP rs1217108018, ClinGen allele CA402322309.

ClinVar aggregate classification (germline): Uncertain significance (1 of 4 stars; one submission).

Allele frequency attached by ClinVar (database versions not stated): gnomAD exomes below 0.00001.
gnomAD v4.1: 1 of 1,614,148 alleles (0.000062%); highest among the groups gnomAD compares: Non-Finnish European, 0.000085%; no homozygotes.

Submission:

Labcorp Genetics (formerly Invitae), Labcorp
Classification: Uncertain significance. Last evaluated: 2021-04-13. Review status: criteria provided, single submitter. Criteria: Invitae Variant Classification Sherloc (09022015). Collection method: clinical testing. Allele origin: germline.
Comment: In summary, the available evidence is currently insufficient to determine the role of this variant in disease. Therefore, it has been classified as a Variant of Uncertain Significance. This sequence change replaces serine with asparagine at codon 944 of the SETBP1 protein (p.Ser944Asn). The serine residue is highly conserved and there is a small physicochemical difference between serine and asparagine. Algorithms developed to predict the effect of missense changes on protein structure and function are either unavailable or do not agree on the potential impact of this missense change (SIFT: "Deleterious"; PolyPhen-2: "Benign"; Align-GVGD: "Class C45"). This variant has not been reported in the literature in individuals with SETBP1-related conditions. This variant is not present in population databases (ExAC no frequency).